The following is an entry in ClinVar:

ClinVar aggregate classification (germline): Uncertain significance (1 of 4 stars; one submission).

Allele frequency attached by ClinVar (database versions not stated): gnomAD exomes 0.00001; TOPMed below 0.00001.
gnomAD v4.1: 5 of 1,613,310 alleles (0.00031%); highest among the groups gnomAD compares: Non-Finnish European, 0.00042%; no homozygotes.

Submission:

Labcorp Genetics (formerly Invitae), Labcorp
Classification: Uncertain significance. Last evaluated: 2025-10-21. Review status: criteria provided, single submitter. Criteria: Invitae Variant Classification Sherloc (09022015). Collection method: clinical testing. Allele origin: germline.
Comment: This sequence change replaces aspartic acid, which is acidic and polar, with glutamic acid, which is acidic and polar, at codon 79 of the MAD2L2 protein (p.Asp79Glu). This variant is present in population databases (no rsID available, gnomAD 0.002%). This variant has not been reported in the literature in individuals affected with MAD2L2-related conditions. ClinVar contains an entry for this variant (Variation ID: 2861328). An algorithm developed to predict the effect of missense changes on protein structure and function (PolyPhen-2) suggests that this variant is likely to be tolerated. In summary, the available evidence is currently insufficient to determine the role of this variant in disease. Therefore, it has been classified as a Variant of Uncertain Significance.

NM_006341.4(MAD2L2):c.237T>A (p.Asp79Glu)

Gene: MAD2L2 (mitotic arrest deficient 2 like 2; minus strand). Cytogenetic location: 1p36.22.
Variant type: single nucleotide variant.
Coding change: c.237T>A on transcript NM_006341.4 (MANE Select); coding-DNA position 237, T replaced by A.
Protein change: p.Asp79Glu; replaces aspartic acid 79 with glutamic acid.
Molecular consequence: missense variant.
Genome position (GRCh38, 1-based): chr1:11,676,943, A>T on the plus strand (T>A on the coding strand, the complement: MAD2L2 is on the minus strand). VCF-style: chr1-11676943-A-T. GRCh37 (hg19) VCF-style: chr1-11737000-A-T.
Other names: c.237T>A, p.Asp79Glu (NM_001127325.2); short protein forms D79E.
Identifiers: ClinVar variation 2861328 (VCV002861328.3), dbSNP rs1220087698, ClinGen allele CA338416795.